The following is an entry in ClinVar:

ClinVar aggregate classification (germline): Uncertain significance. Review status: criteria provided, multiple submitters, no conflicts (2 of 4 stars). 3 submissions from 3 submitters: Uncertain significance (3). Last evaluated 2025-03-31.

Conditions:
Hereditary cancer-predisposing syndrome. Also called: Neoplastic Syndromes, Hereditary; Hereditary Cancer Syndrome; Hereditary neoplastic syndrome; Tumor predisposition. Identifiers: Orphanet 140162, MedGen C0027672, MeSH D009386, MONDO:0015356.
Hereditary breast ovarian cancer syndrome. Also called: Hereditary breast and ovarian cancer syndrome (HBOC); Hereditary breast and ovarian cancer syndrome; Breast and ovarian cancer; Hereditary breast and/or ovarian cancer syndrome; Hereditary breast and ovarian cancer; BRCA1- and BRCA2-Associated Hereditary Breast and Ovarian Cancer. Identifiers: Orphanet 145, MedGen C0677776, MeSH D061325, MONDO:0003582. Disease mechanism: loss of function.

Submissions (3):

Ambry Genetics
Classification: Uncertain significance for Hereditary cancer-predisposing syndrome. Last evaluated: 2025-03-31. Review status: criteria provided, single submitter. Criteria: Ambry Variant Classification Scheme 2023. Collection method: clinical testing. Allele origin: germline.
Comment: The c.4871_4876delCTGAAA variant (also known as p.T1624_E1625del) is located in coding exon 10 of the BRCA2 gene. This variant results from an in-frame CTGAAA deletion at nucleotide positions 4871 to 4876. This results in the in-frame deletion of a at codon 1624. These amino acid region is not well conserved in available vertebrate species. In addition, this alteration is predicted to be deleterious by in silico analysis (Choi Y et al. PLoS ONE. 2012; 7(10):e46688). Based on the available evidence, the clinical significance of this variant remains unclear.

Labcorp Genetics (formerly Invitae), Labcorp
Classification: Uncertain significance for Hereditary breast ovarian cancer syndrome. Last evaluated: 2024-04-10. Review status: criteria provided, single submitter. Criteria: Invitae Variant Classification Sherloc (09022015). Collection method: clinical testing. Allele origin: germline.
Comment: This variant, c.4871_4876del, results in the deletion of 2 amino acid(s) of the BRCA2 protein (p.Thr1624_Glu1625del), but otherwise preserves the integrity of the reading frame. This variant is not present in population databases (gnomAD no frequency). This variant has not been reported in the literature in individuals affected with BRCA2-related conditions. ClinVar contains an entry for this variant (Variation ID: 462361). Experimental studies and prediction algorithms are not available or were not evaluated, and the functional significance of this variant is currently unknown. In summary, the available evidence is currently insufficient to determine the role of this variant in disease. Therefore, it has been classified as a Variant of Uncertain Significance.

Color Diagnostics, LLC DBA Color Health
Classification: Uncertain significance for Hereditary cancer-predisposing syndrome. Last evaluated: 2023-06-14. Review status: criteria provided, single submitter. Criteria: ACMG Guidelines, 2015. Collection method: clinical testing. Allele origin: germline.
Comment: This variant causes an in-frame deletion of two amino acids in the BRCA2 protein. To our knowledge, functional studies have not been reported for this variant. This variant has not been reported in individuals affected with BRCA2-related disorders in the literature. This variant has not been identified in the general population by the Genome Aggregation Database (gnomAD). The available evidence is insufficient to determine the role of this variant in disease conclusively. Therefore, this variant is classified as a Variant of Uncertain Significance.

NM_000059.4(BRCA2):c.4871_4876del (p.Thr1624_Glu1625del)

Gene: BRCA2 (BRCA2 DNA repair associated; plus strand). Cytogenetic location: 13q13.1.
Variant type: Deletion.
Coding change: c.4871_4876del on transcript NM_000059.4 (MANE Select); coding-DNA positions 4871 to 4876, 6 bases deleted (CTGAAA; older notation c.4871_4876delCTGAAA).
Protein change: p.Thr1624_Glu1625del.
Molecular consequence: inframe deletion.
Genome position (GRCh38, 1-based): chr13:32,339,226-32,339,231, CTGAAA deleted; deleting any 6 consecutive bases within chr13:32,339,223-32,339,231 gives the same sequence; the c. name uses the placement nearest the transcript's 3' end. VCF-style (leftmost placement, unchanged base first): chr13-32339222-CAAACTG-C. GRCh37 (hg19) VCF-style: chr13-32913359-CAAACTG-C.
Other names: c.4871_4876delCTGAAA (NM_000059.3).
Identifiers: ClinVar variation 462361 (VCV000462361.18), dbSNP rs1555283962, ClinGen allele CA658656363.